The following is an entry in ClinVar:

ClinVar aggregate classification (germline): Pathogenic. Review status: criteria provided, multiple submitters, no conflicts (2 of 4 stars). 7 submissions from 7 submitters: Pathogenic (5). 2 of the submissions do not count toward it. Last evaluated 2026-02-11.

Conditions:
Malignant tumor of urinary bladder. Also called: Bladder cancer; Urinary Bladder Neoplasms; Urinary bladder cancer. Identifiers: MedGen C0005684, MONDO:0001187, OMIM 109800.
Neurofibromatosis, type 1 (NF1). Also called: Neurofibromatosis, type I; NEUROFIBROMATOSIS, TYPE I, SOMATIC; VON RECKLINGHAUSEN DISEASE; Peripheral type neurofibromatosis. Identifiers: Orphanet 636, MedGen C0027831, MONDO:0018975, OMIM 162200. Disease mechanism: loss of function.
NF1-related disorder. Also called: NF1-related condition. Identifiers: MedGen CN379171.
Cardiovascular phenotype. Identifiers: MedGen CN230736.
Hereditary cancer-predisposing syndrome. Also called: Hereditary Cancer Syndrome; Tumor predisposition; Hereditary neoplastic syndrome; Neoplastic Syndromes, Hereditary. Identifiers: Orphanet 140162, MedGen C0027672, MeSH D009386, MONDO:0015356.

Allele frequency attached by ClinVar (database versions not stated): gnomAD exomes below 0.00001.
gnomAD v4.1: 1 of 1,614,114 alleles (0.000062%); highest among the groups gnomAD compares: Non-Finnish European, 0.000085%; no homozygotes.

Submissions (7):

St. Jude Molecular Pathology, St. Jude Children's Research Hospital
Classification: Pathogenic for Neurofibromatosis, type 1. Last evaluated: 2026-02-11. Review status: criteria provided, single submitter. Criteria: St. Jude Assertion Criteria 2020. Collection method: clinical testing. Allele origin: germline.
Comment: The NF1 c.385C>T p.(Gln129Ter) change is a nonsense variant that is predicted to cause premature protein truncation or absence of the protein due to nonsense mediated decay. This variant is absent in gnomAD v2.1.1. Loss-of-function variants in NF1 are known to be pathogenic (PMID: 9003501, 10712197). In summary, this variant meets criteria to be classified as pathogenic.

Ambry Genetics
Classification: Pathogenic for Cardiovascular phenotype; Hereditary cancer-predisposing syndrome. Last evaluated: 2024-12-17. Review status: criteria provided, single submitter. Criteria: Ambry Variant Classification Scheme 2023. Collection method: clinical testing. Allele origin: germline.
Comment: The p.Q129* pathogenic mutation (also known as c.385C>T), located in coding exon 4 of the NF1 gene, results from a C to T substitution at nucleotide position 385. This changes the amino acid from a glutamine to a stop codon within coding exon 4. This variant is considered to be rare based on population cohorts in the Genome Aggregation Database (gnomAD). This alteration is expected to result in loss of function by premature protein truncation or nonsense-mediated mRNA decay. As such, this alteration is interpreted as a disease-causing mutation.

GeneDx
Classification: Pathogenic. Last evaluated: 2024-11-26. Review status: criteria provided, single submitter. Criteria: GeneDx Variant Classification Process June 2021. Collection method: clinical testing. Allele origin: germline. Affected: yes.
Comment: Nonsense variant predicted to result in protein truncation or nonsense mediated decay in a gene for which loss of function is a known mechanism of disease; Not observed at significant frequency in large population cohorts (gnomAD); This variant is associated with the following publications: (PMID: 23656349)

Labcorp Genetics (formerly Invitae), Labcorp
Classification: Pathogenic for Neurofibromatosis, type 1. Last evaluated: 2024-02-23. Review status: criteria provided, single submitter. Criteria: Invitae Variant Classification Sherloc (09022015). Collection method: clinical testing. Allele origin: germline.
Comment: This sequence change creates a premature translational stop signal (p.Gln129*) in the NF1 gene. It is expected to result in an absent or disrupted protein product. Loss-of-function variants in NF1 are known to be pathogenic (PMID: 10712197, 23913538). This variant is not present in population databases (gnomAD no frequency). This variant has not been reported in the literature in individuals affected with NF1-related conditions. ClinVar contains an entry for this variant (Variation ID: 1048748). For these reasons, this variant has been classified as Pathogenic.

Blueprint Genetics
Classification: Pathogenic for NF1-related disorders. Last evaluated: 2022-12-21. Review status: criteria provided, single submitter. Criteria: ACMG Guidelines, 2015. Collection method: clinical testing. Allele origin: germline. Affected: yes. Observed: 1 variant allele.

Laboratory of Medical Genetics, National & Kapodistrian University of Athens
Classification: Pathogenic for Neurofibromatosis, type 1. Last evaluated: 2020-01-01. Review status: no assertion criteria provided. Collection method: clinical testing. Allele origin: germline. Affected: yes. Not counted in ClinVar's aggregate classification.

Laboratory of Urology, Hospital Clinic de Barcelona
Classification: Pathogenic for Malignant tumor of urinary bladder. Review status: no assertion criteria provided. Collection method: research. Allele origin: somatic. Affected: yes. Not counted in ClinVar's aggregate classification.

Literature cited by the submitters: PubMed 10712197 (cited by Labcorp Genetics (formerly Invitae), Labcorp); PubMed 23913538 (cited by Labcorp Genetics (formerly Invitae), Labcorp).

NM_001042492.3(NF1):c.385C>T (p.Gln129Ter)

Gene: NF1 (neurofibromin 1; plus strand). Cytogenetic location: 17q11.2.
Variant type: single nucleotide variant.
Coding change: c.385C>T on transcript NM_001042492.3 (MANE Select); coding-DNA position 385, C replaced by T.
Protein change: p.Gln129Ter; replaces glutamine 129 with a stop codon.
Molecular consequence: nonsense.
Genome position (GRCh38, 1-based): chr17:31,163,282, C>T. VCF-style: chr17-31163282-C-T. GRCh37 (hg19) VCF-style: chr17-29490300-C-T.
Other names: c.385C>T, p.Gln129Ter (NM_000267.4, NM_001128147.3); short protein forms Q129*.
Identifiers: ClinVar variation 1048748 (VCV001048748.12), dbSNP rs2143672195, ClinGen allele CA398981839.